The following is an entry in ClinVar:

ClinVar aggregate classification (germline): Uncertain significance. Review status: criteria provided, single submitter (1 of 4 stars). 2 submissions from 2 submitters: Uncertain significance (1). 1 of the submissions does not count toward it. Last evaluated 2025-07-15.

Conditions:
EIF4G1-related disorder. Also called: EIF4G1-related condition.

Allele frequency attached by ClinVar (database versions not stated): gnomAD exomes 0.00003; gnomAD 0.00004; ExAC 0.00005; 1000 Genomes Project 30x 0.00016; 1000 Genomes Project 0.00020.
gnomAD v4.1: 44 of 1,614,056 alleles (0.0027%); highest among the groups gnomAD compares: South Asian, 0.016%; no homozygotes.

Submissions (2):

Ambry Genetics
Classification: Uncertain significance. Last evaluated: 2025-07-15. Review status: criteria provided, single submitter. Criteria: Ambry Variant Classification Scheme 2023. Collection method: clinical testing. Allele origin: germline.

PreventionGenetics, part of Exact Sciences
Classification: Uncertain significance for EIF4G1-related condition. Last evaluated: 2023-12-19. Review status: no assertion criteria provided. Collection method: clinical testing. Allele origin: germline. Not counted in ClinVar's aggregate classification.
Comment: The EIF4G1 c.176C>T variant is predicted to result in the amino acid substitution p.Pro59Leu. To our knowledge, this variant has not been reported in the literature. This variant is reported in 0.016% of alleles in individuals of South Asian descent in gnomAD. At this time, the clinical significance of this variant is uncertain due to the absence of conclusive functional and genetic evidence.

NM_198241.3(EIF4G1):c.176C>T (p.Pro59Leu)

Gene: EIF4G1 (eukaryotic translation initiation factor 4 gamma 1; plus strand). Cytogenetic location: 3q27.1.
Variant type: single nucleotide variant.
Coding change: c.176C>T on transcript NM_198241.3 (MANE Select); coding-DNA position 176, C replaced by T.
Protein change: p.Pro59Leu; replaces proline 59 with leucine.
Molecular consequence: missense variant. On other transcripts: 5 prime UTR variant (1), intron variant (1).
Genome position (GRCh38, 1-based): chr3:184,317,349, C>T. VCF-style: chr3-184317349-C-T. GRCh37 (hg19) VCF-style: chr3-184035137-C-T.
Other names: c.197C>T (NM_001194946.1); c.197C>T, p.Pro66Leu (NM_001194946.2, NM_001194947.2); c.56C>T, p.Pro19Leu (NM_001291157.2); c.176C>T, p.Pro59Leu (NM_182917.4); c.-86C>T (NM_198244.3); c.-168-368C>T (NM_198242.3); short protein forms P19L, P59L, P66L.
Identifiers: ClinVar variation 3032152 (VCV003032152.3), dbSNP rs571849011, ClinGen allele CA2731843.